The following is an entry in ClinVar:

NM_001042492.3(NF1):c.6428-2A>T

Gene: NF1 (neurofibromin 1; plus strand). Cytogenetic location: 17q11.2.
Variant type: single nucleotide variant.
Coding change: c.6428-2A>T on transcript NM_001042492.3 (MANE Select); the canonical splice acceptor site of the intron before coding-DNA position 6428, A replaced by T.
Molecular consequence: splice acceptor variant.
Genome position (GRCh38, 1-based): chr17:31,337,366, A>T. VCF-style: chr17-31337366-A-T. GRCh37 (hg19) VCF-style: chr17-29664384-A-T.
Other names: c.6365-2A>T (NM_000267.4).
Identifiers: ClinVar variation 2736568 (VCV002736568.4), dbSNP rs1060500312, ClinGen allele CA399012981.

ClinVar aggregate classification (germline): Pathogenic (1 of 4 stars; one submission).

Conditions:
Neurofibromatosis, type 1 (NF1). Also called: Neurofibromatosis, type I; Peripheral type neurofibromatosis; VON RECKLINGHAUSEN DISEASE; NEUROFIBROMATOSIS, TYPE I, SOMATIC. Identifiers: Orphanet 636, MedGen C0027831, MONDO:0018975, OMIM 162200. Disease mechanism: loss of function.

Submissions (2):

Labcorp Genetics (formerly Invitae), Labcorp
Classification: Pathogenic for Neurofibromatosis, type 1. Last evaluated: 2025-07-29. Review status: criteria provided, single submitter. Criteria: Invitae Variant Classification Sherloc (09022015). Collection method: clinical testing. Allele origin: germline.
Comment: This sequence change affects an acceptor splice site in intron 41 of the NF1 gene. It is expected to disrupt RNA splicing. Variants that disrupt the donor or acceptor splice site typically lead to a loss of protein function (PMID: 16199547), and loss-of-function variants in NF1 are known to be pathogenic (PMID: 10712197, 23913538). This variant is not present in population databases (gnomAD no frequency). Disruption of this splice site has been observed in individual(s) with clinical features of neurofibromatosis type 1 (PMID: 16835897, 26178382, 26969325, 28961165). In at least one individual the variant was observed to be de novo. ClinVar contains an entry for this variant (Variation ID: 2736568). Algorithms developed to predict the effect of sequence changes on RNA splicing suggest that this variant may disrupt the consensus splice site. For these reasons, this variant has been classified as Pathogenic.

Dr. Peter K. Rogan Lab, Western University
No classification provided (evidence only). Condition: Melanoma. Review status: no classification provided. Collection method: in vitro. Allele origin: not applicable. Functional consequence: skipped exon. Not counted in ClinVar's aggregate classification.

Literature cited by the submitters: PubMed 16199547 (cited by Labcorp Genetics (formerly Invitae), Labcorp); PubMed 10712197 (cited by Labcorp Genetics (formerly Invitae), Labcorp); PubMed 23913538 (cited by Labcorp Genetics (formerly Invitae), Labcorp); PubMed 16835897 (cited by Labcorp Genetics (formerly Invitae), Labcorp); PubMed 26178382 (cited by Labcorp Genetics (formerly Invitae), Labcorp); PubMed 26969325 (cited by Labcorp Genetics (formerly Invitae), Labcorp); PubMed 28961165 (cited by Labcorp Genetics (formerly Invitae), Labcorp).